The following is an entry in ClinVar:

ClinVar aggregate classification (germline): Uncertain significance (1 of 4 stars; one submission).

Allele frequency attached by ClinVar (database versions not stated): gnomAD 0.00001.
gnomAD v4.1: 1 of 1,613,184 alleles (0.000062%); highest among the groups gnomAD compares: African/African-American, 0.0013%; no homozygotes.

Submission:

Labcorp Genetics (formerly Invitae), Labcorp
Classification: Uncertain significance. Last evaluated: 2022-07-03. Review status: criteria provided, single submitter. Criteria: Invitae Variant Classification Sherloc (09022015). Collection method: clinical testing. Allele origin: germline.
Comment: This sequence change replaces histidine, which is basic and polar, with arginine, which is basic and polar, at codon 5927 of the ADGRV1 protein (p.His5927Arg). This variant is not present in population databases (gnomAD no frequency). This variant has not been reported in the literature in individuals affected with ADGRV1-related conditions. Algorithms developed to predict the effect of missense changes on protein structure and function are either unavailable or do not agree on the potential impact of this missense change (SIFT: "Deleterious"; PolyPhen-2: "Possibly Damaging"; Align-GVGD: "Class C0"). In summary, the available evidence is currently insufficient to determine the role of this variant in disease. Therefore, it has been classified as a Variant of Uncertain Significance.

NM_032119.4(ADGRV1):c.17780A>G (p.His5927Arg)

Gene: ADGRV1 (adhesion G protein-coupled receptor V1; plus strand). Cytogenetic location: 5q14.3.
Variant type: single nucleotide variant.
Coding change: c.17780A>G on transcript NM_032119.4 (MANE Select); coding-DNA position 17780, A replaced by G.
Protein change: p.His5927Arg; replaces histidine 5927 with arginine.
Molecular consequence: missense variant. On other transcripts: non-coding transcript variant (1).
Genome position (GRCh38, 1-based): chr5:90,863,781, A>G. VCF-style: chr5-90863781-A-G. GRCh37 (hg19) VCF-style: chr5-90159598-A-G.
Other names: short protein forms H5927R.
Identifiers: ClinVar variation 2009207 (VCV002009207.1), dbSNP rs1767831385, ClinGen allele CA360431161.